The following is an entry in ClinVar:

NM_001040108.2(MLH3):c.167A>G (p.Asp56Gly)

Gene: MLH3 (mutL homolog 3; minus strand). Cytogenetic location: 14q24.3.
Variant type: single nucleotide variant.
Coding change: c.167A>G on transcript NM_001040108.2 (MANE Select); coding-DNA position 167, A replaced by G.
Protein change: p.Asp56Gly; replaces aspartic acid 56 with glycine.
Molecular consequence: missense variant.
Genome position (GRCh38, 1-based): chr14:75,049,489, T>C on the plus strand (A>G on the coding strand, the complement: MLH3 is on the minus strand). VCF-style: chr14-75049489-T-C. GRCh37 (hg19) VCF-style: chr14-75516192-T-C.
Other names: c.167A>G, p.Asp56Gly (NM_014381.3); short protein forms D56G.
Identifiers: ClinVar variation 1777861 (VCV001777861.9), dbSNP rs772808535, ClinGen allele CA7276083.
Genomic context (GRCh38, chr14:75,049,489, plus strand): 5'-CTGGTGAAATAACGATTTCCCACTTTCTCTACATCATCACTCCCCATCCCAAATCCATTG[T>C]CTATCACTTGAACTTGGAAGGTTTCCATATTCACCCTGACAGCCACACATTTTGCTTCAG-3'
Protein context (NP_001035197.1, residues 46-66): NMETFQVQVI[Asp56Gly]NGFGMGSDDV

ClinVar aggregate classification (germline): Uncertain significance. Review status: criteria provided, multiple submitters, no conflicts (2 of 4 stars). 2 submissions from 2 submitters: Uncertain significance (2). Last evaluated 2025-04-16.

Conditions:
Colorectal cancer, hereditary nonpolyposis, type 7. Identifiers: Orphanet 144, MedGen C1858380, MONDO:0013725, OMIM 614385.

Allele frequency attached by ClinVar (database versions not stated): ExAC 0.00001; gnomAD exomes 0.00001.

Submissions (2):

Ambry Genetics
Classification: Uncertain significance. Last evaluated: 2025-04-16. Review status: criteria provided, single submitter. Criteria: Ambry Variant Classification Scheme 2023. Collection method: clinical testing. Allele origin: germline.
Comment: The p.D56G variant (also known as c.167A>G), located in coding exon 1 of the MLH3 gene, results from an A to G substitution at nucleotide position 167. The aspartic acid at codon 56 is replaced by glycine, an amino acid with similar properties. This amino acid position is highly conserved in available vertebrate species. In addition, this alteration is predicted to be deleterious by in silico analysis. Since supporting evidence is limited at this time, the clinical significance of this alteration remains unclear.

Labcorp Genetics (formerly Invitae), Labcorp
Classification: Uncertain significance for Colorectal cancer, hereditary nonpolyposis, type 7. Last evaluated: 2021-12-13. Review status: criteria provided, single submitter. Criteria: Invitae Variant Classification Sherloc (09022015). Collection method: clinical testing. Allele origin: germline.
Comment: Algorithms developed to predict the effect of missense changes on protein structure and function are either unavailable or do not agree on the potential impact of this missense change (SIFT: "Deleterious"; PolyPhen-2: "Probably Damaging"; Align-GVGD: "Class C0"). In summary, the available evidence is currently insufficient to determine the role of this variant in disease. Therefore, it has been classified as a Variant of Uncertain Significance. This variant has not been reported in the literature in individuals affected with MLH3-related conditions. This variant is present in population databases (rs772808535, gnomAD 0.002%). This sequence change replaces aspartic acid, which is acidic and polar, with glycine, which is neutral and non-polar, at codon 56 of the MLH3 protein (p.Asp56Gly).